The following is an entry in ClinVar:

ClinVar aggregate classification (germline): Uncertain significance (1 of 4 stars; one submission).

Conditions:
Perlman syndrome (PRLMNS). Identifiers: Orphanet 2849, MedGen C0796113, MONDO:0009965, OMIM 267000.

Submission:

Labcorp Genetics (formerly Invitae), Labcorp
Classification: Uncertain significance for Perlman syndrome. Last evaluated: 2022-10-20. Review status: criteria provided, single submitter. Criteria: Invitae Variant Classification Sherloc (09022015). Collection method: clinical testing. Allele origin: germline.
Comment: This sequence change creates a premature translational stop signal (p.Ser838Alafs*20) in the DIS3L2 gene. While this is not anticipated to result in nonsense mediated decay, it is expected to disrupt the last 48 amino acid(s) of the DIS3L2 protein. This variant is not present in population databases (gnomAD no frequency). In summary, the available evidence is currently insufficient to determine the role of this variant in disease. Therefore, it has been classified as a Variant of Uncertain Significance. This variant has not been reported in the literature in individuals affected with DIS3L2-related conditions.

NM_152383.5(DIS3L2):c.2512del (p.Ser838fs)

Gene: DIS3L2 (DIS3 like 3'-5' exoribonuclease 2; plus strand). Cytogenetic location: 2q37.1.
Variant type: Deletion.
Coding change: c.2512del on transcript NM_152383.5 (MANE Select); coding-DNA position 2512, one base deleted (A; older notation c.2512delA).
Protein change: p.Ser838fs; shifts the reading frame from serine 838.
Molecular consequence: frameshift variant. On other transcripts: non-coding transcript variant (2), intron variant (1).
Genome position (GRCh38, 1-based): chr2:232,336,484, A deleted. VCF-style (leftmost placement, unchanged base first): chr2-232336483-CA-C. GRCh37 (hg19) VCF-style: chr2-233201193-CA-C.
Other names: c.1582-6861del (NM_001257281.2); short protein forms S838fs.
Identifiers: ClinVar variation 2809100 (VCV002809100.3), dbSNP rs2469455403, ClinGen allele CA2739279619.